The following is an entry in ClinVar:

NC_000002.12:g.178692011C>T

Gene: TTN (titin; minus strand). Cytogenetic location: 2q31.2.
Variant type: single nucleotide variant.
Molecular consequence: intron variant (on NM_001267550.2).
Genome position: GRCh38 VCF-style: chr2-178692011-C-T. GRCh37 (hg19) VCF-style: chr2-179556738-C-T.
Other names: c.31762+5G>A (NM_001267550.2); c.28030+5G>A (NM_133378.4); c.13282+46071G>A (NM_003319.4); c.13858+46071G>A (NM_133437.4); c.13657+46071G>A (NM_133432.3); c.30811+5G>A (NM_001256850.1).
Identifiers: ClinVar variation 332893 (VCV000332893.20), dbSNP rs145387989, ClinGen allele CA1998860.

ClinVar aggregate classification (germline): Conflicting classifications of pathogenicity. Review status: criteria provided, conflicting classifications (1 of 4 stars). 10 submissions from 6 submitters: Uncertain significance (3); Benign (2); Likely benign (5). Last evaluated 2026-01-26.

Conditions:
Tibial muscular dystrophy (TMD). Also called: UDD MYOPATHY; Tibial muscular dystrophy, tardive; Udd Distal Myopathy – Tibial Muscular Dystrophy. Identifiers: Orphanet 609, MedGen C1838244, MONDO:0010870, OMIM 600334.
Dilated cardiomyopathy 1G (CMD1G). Identifiers: Orphanet 154, MedGen C1858763, MONDO:0011400, OMIM 604145.
Early-onset myopathy with fatal cardiomyopathy (CMYO5). Also called: Salih Myopathy; CONGENITAL MYOPATHY 5 WITH CARDIOMYOPATHY. Identifiers: Orphanet 289377, MedGen C2673677, MONDO:0012714, OMIM 611705. Disease mechanism: loss of function.
Autosomal recessive limb-girdle muscular dystrophy type 2J (LGMDR10). Also called: Limb-girdle muscular dystrophy, type 2J; MUSCULAR DYSTROPHY, LIMB-GIRDLE, AUTOSOMAL RECESSIVE 10. Identifiers: Orphanet 140922, MedGen C1837342, MONDO:0012127, OMIM 608807.
TTN-related disorder. Also called: TTN-related disorders; TTN-related condition; TTN-related disease.
Myopathy, myofibrillar, 9, with early respiratory failure (MFM9). Also called: MYOPATHY, PROXIMAL, WITH EARLY RESPIRATORY MUSCLE INVOLVEMENT; Hereditary myopathy with early respiratory failure; Myopathy, distal, with early respiratory failure, autosomal dominant; EDSTROM MYOPATHY. Identifiers: Orphanet 178464, Orphanet 34521, MedGen C1863599, MONDO:0011362, OMIM 603689.

Allele frequency attached by ClinVar (database versions not stated): gnomAD 0.00007 and 0.00019; TOPMed 0.00012; gnomAD exomes 0.00029; ExAC 0.00035; 1000 Genomes Project 30x 0.00156; 1000 Genomes Project 0.00180.
gnomAD v4.1: 736 of 1,609,206 alleles (0.046%); highest among the groups gnomAD compares: East Asian, 1.4%; 13 homozygotes.

Submissions (10):

Labcorp Genetics (formerly Invitae), Labcorp
Classification: Likely benign for Dilated cardiomyopathy 1G; Autosomal recessive limb-girdle muscular dystrophy type 2J. Last evaluated: 2026-01-26. Review status: criteria provided, single submitter. Criteria: Invitae Variant Classification Sherloc (09022015). Collection method: clinical testing. Allele origin: germline.

PreventionGenetics, part of Exact Sciences
Classification: Likely benign for TTN-related condition. Last evaluated: 2025-03-06. Review status: criteria provided, single submitter. Criteria: ACMG Guidelines, 2015. Collection method: clinical testing. Allele origin: germline.
Comment: This variant is classified as likely benign based on ACMG/AMP sequence variant interpretation guidelines (Richards et al. 2015 PMID: 25741868, with internal and published modifications).

Blueprint Genetics
Classification: Likely benign. Last evaluated: 2024-11-14. Review status: criteria provided, single submitter. Criteria: ACMG Guidelines, 2015. Collection method: clinical testing. Allele origin: germline.

Women's Health and Genetics/Laboratory Corporation of America, LabCorp
Classification: Likely benign. Last evaluated: 2023-05-15. Review status: criteria provided, single submitter. Criteria: LabCorp Variant Classification Summary - May 2015. Collection method: clinical testing. Allele origin: germline.
Comment: Variant summary: TTN c.28030+5G>A alters a non-conserved nucleotide located close to a canonical splice site and therefore could affect mRNA splicing, leading to a significantly altered protein sequence. 4/4 computational tools predict no significant impact on normal splicing. However, these predictions have yet to be confirmed by functional studies. The variant allele was found at a frequency of 0.00029 in 247026 control chromosomes, predominantly at a frequency of 0.0023 within the East Asian subpopulation in the gnomAD database, including 1 homozygote. The observed variant frequency within East Asian control individuals in the gnomAD database is approximately 6-fold of the estimated maximal expected allele frequency for a pathogenic variant in TTN causing Dilated Cardiomyopathy phenotype (0.00039), strongly suggesting that the variant is a benign polymorphism found primarily in populations of East Asian origin. c.28030+5G>A has been reported in the literature in an individual affected with Sudden Unexplained Death without strong evidence of causality (Campuzano_2015). This report does not provide unequivocal conclusions about association of the variant with Dilated Cardiomyopathy. To our knowledge, no experimental evidence demonstrating an impact on protein function has been reported. The following publication has been ascertained in the context of this evaluation (PMID: 26516846). Three submitters have provided clinical-significance assessments for this variant to ClinVar after 2014, and classified it as uncertain significance (n=1) or likely benign (n=2). Based on the evidence outlined above, the variant was classified as likely benign.

GeneDx
Classification: Likely benign. Last evaluated: 2020-11-30. Review status: criteria provided, single submitter. Criteria: GeneDx Variant Classification Process June 2021. Collection method: clinical testing. Allele origin: germline. Affected: yes.

Illumina Laboratory Services, Illumina
Classification: Uncertain significance for Dilated cardiomyopathy 1G. Last evaluated: 2018-01-13. Review status: criteria provided, single submitter. Criteria: ICSL Variant Classification Criteria 13 December 2019. Collection method: clinical testing. Allele origin: germline.

Illumina Laboratory Services, Illumina
Classification: Benign for Tibial muscular dystrophy. Last evaluated: 2018-01-13. Review status: criteria provided, single submitter. Criteria: ICSL Variant Classification Criteria 13 December 2019. Collection method: clinical testing. Allele origin: germline.
Comment: This variant was observed in the ICSL laboratory as part of a predisposition screen in an ostensibly healthy population. It had not been previously curated by ICSL or reported in the Human Gene Mutation Database (HGMD: prior to June 1st, 2018), and was therefore a candidate for classification through an automated scoring system. Utilizing variant allele frequency, disease prevalence and penetrance estimates, and inheritance mode, an automated score was calculated to assess if this variant is too frequent to cause the disease. Based on the score and internal cut-off values, a variant classified as benign is not then subjected to further curation. The score for this variant resulted in a classification of benign for this disease.

Illumina Laboratory Services, Illumina
Classification: Benign for Myopathy, myofibrillar, 9, with early respiratory failure. Last evaluated: 2018-01-13. Review status: criteria provided, single submitter. Criteria: ICSL Variant Classification Criteria 13 December 2019. Collection method: clinical testing. Allele origin: germline.
Comment: the same text as in the submission from Illumina Laboratory Services, Illumina above.

Illumina Laboratory Services, Illumina
Classification: Uncertain significance for Autosomal recessive limb-girdle muscular dystrophy type 2J. Last evaluated: 2018-01-13. Review status: criteria provided, single submitter. Criteria: ICSL Variant Classification Criteria 13 December 2019. Collection method: clinical testing. Allele origin: germline.

Illumina Laboratory Services, Illumina
Classification: Uncertain significance for Early-onset myopathy with fatal cardiomyopathy. Last evaluated: 2018-01-13. Review status: criteria provided, single submitter. Criteria: ICSL Variant Classification Criteria 13 December 2019. Collection method: clinical testing. Allele origin: germline.

Literature cited by the submitters: PubMed 26516846 (cited by Women's Health and Genetics/Laboratory Corporation of America, LabCorp).